The following is an entry in ClinVar:

ClinVar aggregate classification (germline): Likely benign (0 of 4 stars; one submission).

Conditions:
NRP1-related disorder. Also called: NRP1-related condition.

Allele frequency attached by ClinVar (database versions not stated): TOPMed 0.00006; gnomAD 0.00009; gnomAD exomes 0.00011; ESP Exome Variant Server 0.00015.
gnomAD v4.1: 171 of 1,613,740 alleles (0.011%); highest among the groups gnomAD compares: Non-Finnish European, 0.013%; no homozygotes.

Submission:

PreventionGenetics, part of Exact Sciences
Classification: Likely benign for NRP1-related condition. Last evaluated: 2022-04-04. Review status: no assertion criteria provided. Collection method: clinical testing. Allele origin: germline.
Comment: This variant is classified as likely benign based on ACMG/AMP sequence variant interpretation guidelines (Richards et al. 2015 PMID: 25741868, with internal and published modifications).

NM_003873.7(NRP1):c.381C>T (p.Tyr127=)

Gene: NRP1 (neuropilin 1; minus strand). Cytogenetic location: 10p11.22.
Variant type: single nucleotide variant.
Coding change: c.381C>T on transcript NM_003873.7 (MANE Select); coding-DNA position 381, C replaced by T.
Protein change: p.Tyr127=; no amino-acid change (tyrosine 127 retained).
Molecular consequence: synonymous variant.
Genome position (GRCh38, 1-based): chr10:33,270,724, G>A on the plus strand (C>T on the coding strand, the complement: NRP1 is on the minus strand). VCF-style: chr10-33270724-G-A. GRCh37 (hg19) VCF-style: chr10-33559652-G-A.
Other names: c.381C>T, p.Tyr127= (NM_001024628.3, NM_001024629.3, NM_001244972.2 and 2 more transcripts).
Identifiers: ClinVar variation 3048968 (VCV003048968.2), dbSNP rs142912222, ClinGen allele CA5466976.